The following is an entry in ClinVar:

ClinVar aggregate classification (germline): Uncertain significance. Review status: criteria provided, multiple submitters, no conflicts (2 of 4 stars). 2 submissions from 2 submitters: Uncertain significance (2). Last evaluated 2023-03-04.

Conditions:
Inborn genetic diseases. Identifiers: MedGen C0950123, MeSH D030342.
CHRND-related disorder. Also called: CHRND-related condition; CHRND-Related Disorders.

Allele frequency attached by ClinVar (database versions not stated): gnomAD exomes below 0.00001.
gnomAD v4.1: 2 of 1,614,112 alleles (0.00012%); highest among the groups gnomAD compares: Admixed American, 0.0033%; no homozygotes.

Submissions (2):

PreventionGenetics, part of Exact Sciences
Classification: Uncertain significance for CHRND-related condition. Last evaluated: 2023-03-04. Review status: criteria provided, single submitter. Criteria: ACMG Guidelines, 2015. Collection method: clinical testing. Allele origin: germline.
Comment: The CHRND c.1213T>A variant is predicted to result in the amino acid substitution p.Ser405Thr. To our knowledge, this variant has not been reported in the literature. This variant is reported in 0.0029% of alleles in individuals of Latino descent in gnomAD. At this time, the clinical significance of this variant is uncertain due to the absence of conclusive functional and genetic evidence.

Ambry Genetics
Classification: Uncertain significance for Inborn genetic diseases. Last evaluated: 2022-12-20. Review status: criteria provided, single submitter. Criteria: Ambry Variant Classification Scheme 2023. Collection method: clinical testing. Allele origin: germline.

NM_000751.3(CHRND):c.1213T>A (p.Ser405Thr)

Gene: CHRND (cholinergic receptor nicotinic delta subunit; plus strand). Cytogenetic location: 2q37.1.
Variant type: single nucleotide variant.
Coding change: c.1213T>A on transcript NM_000751.3 (MANE Select); coding-DNA position 1213, T replaced by A.
Protein change: p.Ser405Thr; replaces serine 405 with threonine.
Molecular consequence: missense variant.
Genome position (GRCh38, 1-based): chr2:232,534,096, T>A. VCF-style: chr2-232534096-T-A. GRCh37 (hg19) VCF-style: chr2-233398806-T-A.
Other names: c.1168T>A, p.Ser390Thr (NM_001256657.2); c.631T>A, p.Ser211Thr (NM_001311195.2); c.910T>A, p.Ser304Thr (NM_001311196.2); c.1213T>A (NM_000751.2); short protein forms S211T, S390T, S304T, S405T.
Identifiers: ClinVar variation 2337704 (VCV002337704.3), dbSNP rs1472536196, ClinGen allele CA351005269.
Genomic context (GRCh38, chr2:232,534,096, plus strand): 5'-TCCAAGGCCGAGGAGTACTTCCTGCTCAAGTCCCGCAGTGACCTCATGTTCGAGAAGCAG[T>A]CAGAGCGGCATGGGCTGGCCAGGCGCCTCACCACTGCACGTGGGTCCCCGCTGGTCTTGG-3'
Protein context (NP_000742.1, residues 395-415): SRSDLMFEKQ[Ser405Thr]ERHGLARRLT